The following is an entry in ClinVar:

NM_000051.4(ATM):c.5697C>A (p.Cys1899Ter)

Gene: ATM (ATM serine/threonine kinase; plus strand). Cytogenetic location: 11q22.3.
Variant type: single nucleotide variant.
Coding change: c.5697C>A on transcript NM_000051.4 (MANE Select); coding-DNA position 5697, C replaced by A.
Protein change: p.Cys1899Ter; replaces cysteine 1899 with a stop codon.
Molecular consequence: nonsense.
Genome position (GRCh38, 1-based): chr11:108,307,919, C>A. VCF-style: chr11-108307919-C-A. GRCh37 (hg19) VCF-style: chr11-108178646-C-A.
Other names: c.5697C>A, p.Cys1899Ter (NM_001351834.2); short protein forms C1899*.
Identifiers: ClinVar variation 421488 (VCV000421488.21), dbSNP rs753839301, ClinGen allele CA6265759.

ClinVar aggregate classification (germline): Pathogenic. Review status: criteria provided, multiple submitters, no conflicts (2 of 4 stars). 8 submissions from 8 submitters: Pathogenic (8). Last evaluated 2024-08-14.

Conditions:
Familial cancer of breast. Also called: Hereditary breast cancer; BREAST CANCER, FAMILIAL; hereditary breast carcinoma. Identifiers: Orphanet 227535, MedGen C0346153, MONDO:0016419, OMIM 114480. Disease mechanism: loss of function.
Ataxia-telangiectasia syndrome (AT). Also called: Ataxia-telangiectasia, complementation group D; AT, COMPLEMENTATION GROUP C; ATAXIA-TELANGIECTASIA, COMPLEMENTATION GROUP A; ATAXIA-TELANGIECTASIA, FRESNO VARIANT; Ataxia-telangiectasia; Ataxia-telangiectasia, complementation group E. Identifiers: Orphanet 100, MedGen C0004135, MONDO:0008840, OMIM 208900.
Hereditary cancer-predisposing syndrome. Also called: Hereditary neoplastic syndrome; Neoplastic Syndromes, Hereditary; Hereditary Cancer Syndrome; Tumor predisposition. Identifiers: Orphanet 140162, MedGen C0027672, MeSH D009386, MONDO:0015356.

Allele frequency attached by ClinVar (database versions not stated): ExAC 0.00001.

Submissions (8):

Natera, Inc.
Classification: Pathogenic for Ataxia-telangiectasia. Last evaluated: 2024-08-14. Review status: criteria provided, single submitter. Criteria: Natera Variant Classification Schema (03/2026). Collection method: clinical testing. Allele origin: germline.
Comment: The c.5697C>A variant in ATM is a nonsense variant predicted to introduce a stop codon at amino acid 1899. This variant is expected to result in nonsense mediated decay, truncation, or a dysfunctional protein product. This variant is rare in the general population with a frequency below the threshold expected for the associated phenotype(s). This variant has been observed in one or more individuals affected with the associated recessive disease, as either homozygous or compound heterozygous with a second variant (PMID: 23726790). Given the available evidence, this variant is classified as Pathogenic.

Labcorp Genetics (formerly Invitae), Labcorp
Classification: Pathogenic for Ataxia-telangiectasia syndrome. Last evaluated: 2024-05-12. Review status: criteria provided, single submitter. Criteria: Invitae Variant Classification Sherloc (09022015). Collection method: clinical testing. Allele origin: germline.
Comment: This sequence change creates a premature translational stop signal (p.Cys1899*) in the ATM gene. It is expected to result in an absent or disrupted protein product. Loss-of-function variants in ATM are known to be pathogenic (PMID: 23807571, 25614872). This variant is not present in population databases (gnomAD no frequency). This variant has not been reported in the literature in individuals affected with ATM-related conditions. ClinVar contains an entry for this variant (Variation ID: 421488). For these reasons, this variant has been classified as Pathogenic.

Fulgent Genetics
Classification: Pathogenic for Familial cancer of breast; Ataxia-telangiectasia syndrome. Last evaluated: 2024-04-15. Review status: criteria provided, single submitter. Criteria: ACMG Guidelines, 2015. Collection method: clinical testing. Allele origin: germline.

Myriad Genetics, Inc.
Classification: Pathogenic for Familial cancer of breast. Last evaluated: 2024-01-25. Review status: criteria provided, single submitter. Criteria: Myriad Autosomal Dominant, Autosomal Recessive and X-Linked Classification Criteria (2023). Collection method: clinical testing. Allele origin: unknown.
Comment: This variant is considered pathogenic. This variant creates a termination codon and is predicted to result in premature protein truncation.

Ambry Genetics
Classification: Pathogenic for Hereditary cancer-predisposing syndrome. Last evaluated: 2023-08-25. Review status: criteria provided, single submitter. Criteria: Ambry Variant Classification Scheme 2023. Collection method: clinical testing. Allele origin: germline.
Comment: The p.C1899* pathogenic mutation (also known as c.5697C>A), located in coding exon 37 of the ATM gene, results from a C to A substitution at nucleotide position 5697. This changes the amino acid from a cysteine to a stop codon within coding exon 37. This variant is considered to be rare based on population cohorts in the Genome Aggregation Database (gnomAD). This alteration is expected to result in loss of function by premature protein truncation or nonsense-mediated mRNA decay. As such, this alteration is interpreted as a disease-causing mutation.

GeneDx
Classification: Pathogenic. Last evaluated: 2023-05-05. Review status: criteria provided, single submitter. Criteria: GeneDx Variant Classification Process June 2021. Collection method: clinical testing. Allele origin: germline. Affected: yes.
Comment: Nonsense variant predicted to result in protein truncation or nonsense mediated decay in a gene for which loss of function is a known mechanism of disease; Not observed at significant frequency in large population cohorts (gnomAD); Truncating variants in this gene are considered pathogenic by a well-established clinical consortium and/or database; Observed in individuals with breast, pancreatic, and lung cancer (Wang et al., 2019; Peng et al., 2022; Yin et al., 2022); This variant is associated with the following publications: (PMID: 35171259, 31788995, Sun2021[Abstract], 35273153, 23726790, 29922827, 30982232)

Color Diagnostics, LLC DBA Color Health
Classification: Pathogenic for Hereditary cancer-predisposing syndrome. Last evaluated: 2022-03-18. Review status: criteria provided, single submitter. Criteria: ACMG Guidelines, 2015. Collection method: clinical testing. Allele origin: germline.
Comment: This variant changes 1 nucleotide in exon 38 of the ATM gene, creating a premature translation stop signal. This variant is expected to result in an absent or non-functional protein product. This variant has been reported in individuals affected with ovarian cancer, breast cancer, pancreatic cancer (including pancreatic ductal adenocarcinoma), and colon cancer (PMID: 31788995, 33471991, 33919281, 34247626, 34659905; DOI: 10.1158/1538-7445.AM2021-805). This variant has also been reported in the compound heterozygous state in an individual affected with ataxia-telangiectasia (PMID: 23726790) and in trans with an ATM variant of uncertain significance in an individual affected with cervical dystonia and cerebellar ataxia who also carried two SYNE1 variants in trans (DOI: 10.21203/rs.3.rs-577033/v1). This variant has not been identified in the general population by the Genome Aggregation Database (gnomAD). Loss of ATM function is a known mechanism of disease. Based on the available evidence, this variant is classified as Pathogenic.

Juno Genomics, Hangzhou Juno Genomics, Inc
Classification: Pathogenic for Familial cancer of breast; Ataxia-telangiectasia syndrome. Review status: criteria provided, single submitter. Criteria: ACMG Guidelines, 2015. Collection method: clinical testing. Allele origin: germline.
Comment: Absent from controls (or at extremely low frequency if recessive) in Genome Aggregation Database.;Null variant in a gene where loss of function (LOF) is a known mechanism of disease.;For recessive disorders, detected in trans with a pathogenic variant.

Literature cited by the submitters: PubMed 23726790 (cited by Natera, Inc. and Color Diagnostics, LLC DBA Color Health); PubMed 23807571 (cited by Labcorp Genetics (formerly Invitae), Labcorp); PubMed 25614872 (cited by Labcorp Genetics (formerly Invitae), Labcorp); PubMed 31788995 (cited by Color Diagnostics, LLC DBA Color Health); PubMed 33471991 (cited by Color Diagnostics, LLC DBA Color Health); PubMed 33919281 (cited by Color Diagnostics, LLC DBA Color Health); PubMed 34247626 (cited by Color Diagnostics, LLC DBA Color Health); PubMed 34659905 (cited by Color Diagnostics, LLC DBA Color Health).